The following is an entry in ClinVar:

ClinVar aggregate classification (germline): Uncertain significance. Review status: criteria provided, multiple submitters, no conflicts (2 of 4 stars). 2 submissions from 2 submitters: Uncertain significance (2). Last evaluated 2025-08-05.

Conditions:
Inborn genetic diseases. Identifiers: MedGen C0950123, MeSH D030342.

gnomAD v4.1: 4 of 1,613,890 alleles (0.00025%); highest among the groups gnomAD compares: African/African-American, 0.0013%; no homozygotes.

Submissions (2):

Ambry Genetics
Classification: Uncertain significance for Inborn genetic diseases. Last evaluated: 2025-08-05. Review status: criteria provided, single submitter. Criteria: Ambry Variant Classification Scheme 2023. Collection method: clinical testing. Allele origin: germline.

Labcorp Genetics (formerly Invitae), Labcorp
Classification: Uncertain significance. Last evaluated: 2022-06-02. Review status: criteria provided, single submitter. Criteria: Invitae Variant Classification Sherloc (09022015). Collection method: clinical testing. Allele origin: germline.
Comment: This variant has not been reported in the literature in individuals affected with ZNF335-related conditions. In summary, the available evidence is currently insufficient to determine the role of this variant in disease. Therefore, it has been classified as a Variant of Uncertain Significance. Algorithms developed to predict the effect of missense changes on protein structure and function (SIFT, PolyPhen-2, Align-GVGD) all suggest that this variant is likely to be disruptive. This variant is not present in population databases (gnomAD no frequency). This sequence change replaces glutamic acid, which is acidic and polar, with glutamine, which is neutral and polar, at codon 1322 of the ZNF335 protein (p.Glu1322Gln).

NM_022095.4(ZNF335):c.3964G>C (p.Glu1322Gln)

Gene: ZNF335 (zinc finger protein 335; minus strand). Cytogenetic location: 20q13.12.
Variant type: single nucleotide variant.
Coding change: c.3964G>C on transcript NM_022095.4 (MANE Select); coding-DNA position 3964, G replaced by C.
Protein change: p.Glu1322Gln; replaces glutamic acid 1322 with glutamine.
Molecular consequence: missense variant.
Genome position (GRCh38, 1-based): chr20:45,949,018, C>G on the plus strand (G>C on the coding strand, the complement: ZNF335 is on the minus strand). VCF-style: chr20-45949018-C-G. GRCh37 (hg19) VCF-style: chr20-44577657-C-G.
Other names: c.3964G>C (NM_022095.3); short protein forms E1322Q.
Identifiers: ClinVar variation 1958347 (VCV001958347.6), dbSNP rs767339054, ClinGen allele CA315642666.